The following is an entry in ClinVar:

ClinVar aggregate classification (germline): Conflicting classifications of pathogenicity. Review status: criteria provided, conflicting classifications (1 of 4 stars). 4 submissions from 4 submitters: Uncertain significance (3); Likely benign (1). Last evaluated 2026-07-19.

Conditions:
Cardiovascular phenotype. Identifiers: MedGen CN230736.
Familial isolated arrhythmogenic right ventricular dysplasia. Identifiers: Orphanet 217656, MedGen C4274968, MONDO:0016342.
DSC2-related disorder. Also called: DSC2-related condition.
Arrhythmogenic right ventricular dysplasia 11. Also called: Arrhythmogenic Right Ventricular Dysplasia/Cardiomyopathy11; Arrhythmogenic right ventricular dysplasia 11 with mild palmoplantar keratoderma and woolly hair; ARRHYTHMOGENIC RIGHT VENTRICULAR DYSPLASIA, FAMILIAL, 11. Identifiers: MedGen C1864850, MONDO:0012506, OMIM 610476.

Allele frequency attached by ClinVar (database versions not stated): gnomAD exomes below 0.00001; ExAC 0.00001; TOPMed 0.00002; gnomAD 0.00003; ESP Exome Variant Server 0.00008.

Submissions (4):

PreventionGenetics, part of Exact Sciences
Classification: Uncertain significance for DSC2-related condition. Last evaluated: 2026-07-19. Review status: criteria provided, single submitter. Criteria: ACMG Guidelines, 2015. Collection method: clinical testing. Allele origin: germline.
Comment: The DSC2 c.841A>G variant is predicted to result in the amino acid substitution p.Lys281Glu. To our knowledge, this variant has not been reported in the literature. This variant is reported in 0.0080% of alleles in individuals of African descent in gnomAD. At this time, the clinical significance of this variant is uncertain due to the absence of conclusive functional and genetic evidence.

Labcorp Genetics (formerly Invitae), Labcorp
Classification: Uncertain significance for Arrhythmogenic right ventricular dysplasia 11. Last evaluated: 2025-07-18. Review status: criteria provided, single submitter. Criteria: Invitae Variant Classification Sherloc (09022015). Collection method: clinical testing. Allele origin: germline.
Comment: This sequence change replaces lysine, which is basic and polar, with glutamic acid, which is acidic and polar, at codon 281 of the DSC2 protein (p.Lys281Glu). This variant is present in population databases (rs373697870, gnomAD 0.008%). This variant has not been reported in the literature in individuals affected with DSC2-related conditions. ClinVar contains an entry for this variant (Variation ID: 1486067). Invitae Evidence Modeling of protein sequence and biophysical properties (such as structural, functional, and spatial information, amino acid conservation, physicochemical variation, residue mobility, and thermodynamic stability) has been performed for this missense variant. However, the output from this modeling did not meet the statistical confidence thresholds required to predict the impact of this variant on DSC2 protein function. In summary, the available evidence is currently insufficient to determine the role of this variant in disease. Therefore, it has been classified as a Variant of Uncertain Significance.

Ambry Genetics
Classification: Likely benign for Cardiovascular phenotype. Last evaluated: 2024-03-12. Review status: criteria provided, single submitter. Criteria: Ambry Variant Classification Scheme 2023. Collection method: clinical testing. Allele origin: germline.

All of Us Research Program, National Institutes of Health
Classification: Uncertain significance for Familial isolated arrhythmogenic right ventricular dysplasia. Last evaluated: 2023-06-26. Review status: criteria provided, single submitter. Criteria: ACMG Guidelines, 2015. Collection method: clinical testing. Allele origin: germline. Inheritance: Autosomal dominant inheritance. Observed: 1 variant allele, 1 heterozygote.
Comment: This missense variant replaces lysine with glutamic acid at codon 281 of the DSC2 protein. Computational prediction suggests that this variant may not impact protein structure and function (internally defined REVEL score threshold <= 0.5, PMID: 27666373). To our knowledge, functional studies have not been reported for this variant. This variant has not been reported in individuals affected with DSC2-related disorders in the literature. This variant has been identified in 2/282784 chromosomes in the general population by the Genome Aggregation Database (gnomAD). The available evidence is insufficient to determine the role of this variant in disease conclusively. Therefore, this variant is classified as a Variant of Uncertain Significance.

This study involves interpretation of variants in research participants for the purpose of population health screening. Participant phenotype was not available at the time of variant classification. Additional details can be found in publication PMID: 35346344, PMCID: PMC8962531

NM_024422.6(DSC2):c.841A>G (p.Lys281Glu)

Gene: DSC2 (desmocollin 2; minus strand). Cytogenetic location: 18q12.1.
Variant type: single nucleotide variant.
Coding change: c.841A>G on transcript NM_024422.6 (MANE Select); coding-DNA position 841, A replaced by G.
Protein change: p.Lys281Glu; replaces lysine 281 with glutamic acid.
Molecular consequence: missense variant.
Genome position (GRCh38, 1-based): chr18:31,086,677, T>C on the plus strand (A>G on the coding strand, the complement: DSC2 is on the minus strand). VCF-style: chr18-31086677-T-C. GRCh37 (hg19) VCF-style: chr18-28666640-T-C.
Other names: c.841A>G, p.Lys281Glu (NM_004949.5); c.841A>G (NM_024422.4); short protein forms K281E.
Identifiers: ClinVar variation 1486067 (VCV001486067.8), dbSNP rs373697870, ClinGen allele CA040207.